The following is an entry in ClinVar:

NM_016292.3(TRAP1):c.576G>T (p.Glu192Asp)

Gene: TRAP1 (TNF receptor associated protein 1; minus strand). Cytogenetic location: 16p13.3.
Variant type: single nucleotide variant.
Coding change: c.576G>T on transcript NM_016292.3 (MANE Select); coding-DNA position 576, G replaced by T.
Protein change: p.Glu192Asp; replaces glutamic acid 192 with aspartic acid.
Molecular consequence: missense variant.
Genome position (GRCh38, 1-based): chr16:3,677,626, C>A on the plus strand (G>T on the coding strand, the complement: TRAP1 is on the minus strand). VCF-style: chr16-3677626-C-A. GRCh37 (hg19) VCF-style: chr16-3727627-C-A.
Other names: c.417G>T, p.Glu139Asp (NM_001272049.2); short protein forms E139D, E192D.
Identifiers: ClinVar variation 3611480 (VCV003611480.2).

ClinVar aggregate classification (germline): Uncertain significance (1 of 4 stars; one submission).

gnomAD v4.1: 9 of 1,613,994 alleles (0.00056%); highest among the groups gnomAD compares: African/African-American, 0.0013%; no homozygotes.

Submission:

Labcorp Genetics (formerly Invitae), Labcorp
Classification: Uncertain significance. Last evaluated: 2025-01-15. Review status: criteria provided, single submitter. Criteria: Invitae Variant Classification Sherloc (09022015). Collection method: clinical testing. Allele origin: germline.
Comment: This sequence change replaces glutamic acid, which is acidic and polar, with aspartic acid, which is acidic and polar, at codon 192 of the TRAP1 protein (p.Glu192Asp). This variant is present in population databases (rs763585509, gnomAD 0.002%). This variant has not been reported in the literature in individuals affected with TRAP1-related conditions. Invitae Evidence Modeling of protein sequence and biophysical properties (such as structural, functional, and spatial information, amino acid conservation, physicochemical variation, residue mobility, and thermodynamic stability) indicates that this missense variant is not expected to disrupt TRAP1 protein function with a negative predictive value of 80%. In summary, the available evidence is currently insufficient to determine the role of this variant in disease. Therefore, it has been classified as a Variant of Uncertain Significance.